The following is an entry in ClinVar:

ClinVar aggregate classification (germline): Pathogenic. Review status: criteria provided, multiple submitters, no conflicts (2 of 4 stars). 11 submissions from 11 submitters: Pathogenic (9). 2 of the submissions do not count toward it. Last evaluated 2025-02-20.

Conditions:
CHM-related disorders.
Retinal dystrophy. Also called: Inherited retinal dystrophy. Identifiers: Orphanet 71862, MedGen C0854723, MeSH D058499, MONDO:0019118, HP:0000556.
Choroideremia. Also called: Chorioretinal scalloped atrophy. Identifiers: Orphanet 180, MedGen C0008525, MONDO:0010557, OMIM 303100, HP:0001139.

Allele frequency attached by ClinVar (database versions not stated): gnomAD exomes below 0.00001; ExAC 0.00001; TOPMed 0.00001.
gnomAD v4.1: 1 of 1,210,101 alleles (0.000083%); highest among the groups gnomAD compares: Non-Finnish European, 0.00011%; no homozygotes.

Submissions (11):

Labcorp Genetics (formerly Invitae), Labcorp
Classification: Pathogenic. Last evaluated: 2025-02-20. Review status: criteria provided, single submitter. Criteria: Invitae Variant Classification Sherloc (09022015). Collection method: clinical testing. Allele origin: germline.
Comment: This sequence change creates a premature translational stop signal (p.Arg239*) in the CHM gene. It is expected to result in an absent or disrupted protein product. Loss-of-function variants in CHM are known to be pathogenic (PMID: 9067750, 23811034). This variant is present in population databases (rs776256380, gnomAD 0.001%). This premature translational stop signal has been observed in individual(s) with choroideremia (PMID: 12827496, 16087855, 23811034, 26133251; internal data). It has also been observed to segregate with disease in related individuals. ClinVar contains an entry for this variant (Variation ID: 285756). For these reasons, this variant has been classified as Pathogenic.

3billion
Classification: Pathogenic for Choroideremia. Last evaluated: 2022-05-22. Review status: criteria provided, single submitter. Criteria: ACMG Guidelines, 2015. Collection method: clinical testing. Allele origin: germline. Affected: yes. Observed: 1 hemizygote.
Comment: The variant is observed at an extremely low frequency in the gnomAD v2.1.1 dataset (total allele frequency: <0.001%). Stop-gained (nonsense): predicted to result in a loss or disruption of normal protein function through nonsense-mediated decay (NMD) or protein truncation. Multiple pathogenic variants are reported downstream of the variant. The variant has been reported at least twice as pathogenic with clinical assertions and evidence for the classification (ClinVar ID: VCV000285756 / PMID: 16087855). Therefore, this variant is classified as pathogenic according to the recommendation of ACMG/AMP guideline.

Blueprint Genetics
Classification: Pathogenic for CHM-related disorders. Last evaluated: 2022-03-11. Review status: criteria provided, single submitter. Criteria: ACMG Guidelines, 2015. Collection method: clinical testing. Allele origin: germline. Affected: yes. Observed: 5 variant alleles.

Institute of Medical Genetics and Applied Genomics, University Hospital Tübingen
Classification: Pathogenic. Last evaluated: 2020-10-23. Review status: criteria provided, single submitter. Criteria: ACMG Guidelines, 2015. Collection method: clinical testing. Allele origin: germline. Inheritance: X-linked dominant inheritance. Affected: yes.

Fulgent Genetics
Classification: Pathogenic for Choroideremia. Last evaluated: 2018-10-31. Review status: criteria provided, single submitter. Criteria: ACMG Guidelines, 2015. Collection method: clinical testing. Allele origin: unknown.

GeneDx
Classification: Pathogenic. Last evaluated: 2018-06-22. Review status: criteria provided, single submitter. Criteria: GeneDx Variant Classification (06012015). Collection method: clinical testing. Allele origin: germline. Affected: yes.
Comment: The R239X nonsense variant has been reported previously in association with choroideremia (Francis et al., 2005; Jolly et al., 2015). The variant is not observed at a significant frequency in large population cohorts (Lek et al., 2016). This variant is predicted to cause loss of normal protein function either through protein truncation or nonsense-mediated mRNA decay. In summary, we consider this variant to be pathogenic.

CeGaT Center for Human Genetics Tuebingen
Classification: Pathogenic. Last evaluated: 2016-10-01. Review status: criteria provided, single submitter. Criteria: CeGaT Center For Human Genetics Tuebingen Variant Classification Criteria Version 2. Collection method: clinical testing. Allele origin: germline. Affected: yes. Observed: 1 variant allele.

Eurofins Ntd Llc (ga)
Classification: Pathogenic. Last evaluated: 2016-01-08. Review status: criteria provided, single submitter. Criteria: EGL Classification Definitions 2015. Collection method: clinical testing. Allele origin: germline. Observed: 1 variant allele, 1 hemizygote.

Institute of Human Genetics, Univ. Regensburg, Univ. Regensburg
Classification: Pathogenic for Retinal dystrophy. Last evaluated: 2013-01-01. Review status: criteria provided, single submitter. Criteria: ACMG Guidelines, 2015. Collection method: clinical testing. Allele origin: germline. Affected: yes.

Natera, Inc.
Classification: Pathogenic for Choroideremia. Last evaluated: 2020-10-14. Review status: no assertion criteria provided. Collection method: clinical testing. Allele origin: germline. Not counted in ClinVar's aggregate classification.

Sharon lab, Hadassah-Hebrew University Medical Center
Classification: Pathogenic for Choroideremia. Last evaluated: 2019-06-23. Review status: no assertion criteria provided. Collection method: research. Allele origin: inherited. Affected: yes. Not counted in ClinVar's aggregate classification.

Literature cited by the submitters: PubMed 9067750 (cited by Labcorp Genetics (formerly Invitae), Labcorp); PubMed 23811034 (cited by Labcorp Genetics (formerly Invitae), Labcorp); PubMed 12827496 (cited by Labcorp Genetics (formerly Invitae), Labcorp); PubMed 16087855 (cited by 3 submitters); PubMed 26133251 (cited by Labcorp Genetics (formerly Invitae), Labcorp and Institute of Human Genetics, Univ. Regensburg, Univ. Regensburg); PubMed 25525159 (cited by Institute of Human Genetics, Univ. Regensburg, Univ. Regensburg); PubMed 30689859 (cited by Institute of Human Genetics, Univ. Regensburg, Univ. Regensburg); PubMed 33394956 (cited by Institute of Human Genetics, Univ. Regensburg, Univ. Regensburg); PubMed 31922496 (cited by Institute of Human Genetics, Univ. Regensburg, Univ. Regensburg); PubMed 33110609 (cited by Institute of Human Genetics, Univ. Regensburg, Univ. Regensburg); PubMed 31456290 (cited by Institute of Human Genetics, Univ. Regensburg, Univ. Regensburg); PubMed 32531858 (cited by Institute of Human Genetics, Univ. Regensburg, Univ. Regensburg).

NM_000390.4(CHM):c.715C>T (p.Arg239Ter)

Gene: CHM (CHM Rab escort protein; minus strand). Cytogenetic location: Xq21.2.
Variant type: single nucleotide variant.
Coding change: c.715C>T on transcript NM_000390.4 (MANE Select); coding-DNA position 715, C replaced by T.
Protein change: p.Arg239Ter; replaces arginine 239 with a stop codon.
Molecular consequence: nonsense.
Genome position (GRCh38, 1-based): chrX:85,958,965, G>A on the plus strand (C>T on the coding strand, the complement: CHM is on the minus strand). VCF-style: chrX-85958965-G-A. GRCh37 (hg19) VCF-style: chrX-85213970-G-A.
Other names: c.271C>T, p.Arg91Ter (NM_001320959.1, NM_001362517.1, NM_001362518.2 and 1 more transcripts); c.715C>T (LRG_699t1); short protein forms R239*, R91*.
Identifiers: ClinVar variation 285756 (VCV000285756.59), dbSNP rs776256380, ClinGen allele CA10465535.